The following is an entry in ClinVar:

ClinVar aggregate classification (germline): Benign/Likely benign. Review status: criteria provided, multiple submitters, no conflicts (2 of 4 stars). 9 submissions from 9 submitters: Benign (4); Likely benign (3). 2 of the submissions do not count toward it. Last evaluated 2026-01-22.

Conditions:
Congenital contractural arachnodactyly (CCA). Also called: BEALS SYNDROME; Beals-Hecht syndrome; Arthrogryposis, distal, type 9. Identifiers: Orphanet 115, MedGen C0220668, MONDO:0007363, OMIM 121050.
Familial thoracic aortic aneurysm and aortic dissection (TAAD). Also called: Thoracic aortic aneurysms and dissections. Identifiers: Orphanet 91387, MedGen C4707243, MONDO:0019625.

Allele frequency attached by ClinVar (database versions not stated): gnomAD exomes 0.00039; ExAC 0.00054; gnomAD 0.00171 and 0.00175; ESP Exome Variant Server 0.00200; TOPMed 0.00203; 1000 Genomes Project 30x 0.00234.
gnomAD v4.1: 485 of 1,613,740 alleles (0.03%); highest among the groups gnomAD compares: African/African-American, 0.61%; 2 homozygotes.

Submissions (9):

Labcorp Genetics (formerly Invitae), Labcorp
Classification: Benign for Congenital contractural arachnodactyly. Last evaluated: 2026-01-22. Review status: criteria provided, single submitter. Criteria: Invitae Variant Classification Sherloc (09022015). Collection method: clinical testing. Allele origin: germline.

Blueprint Genetics
Classification: Likely benign. Last evaluated: 2024-10-18. Review status: criteria provided, single submitter. Criteria: ACMG Guidelines, 2015. Collection method: clinical testing. Allele origin: germline.

Women's Health and Genetics/Laboratory Corporation of America, LabCorp
Classification: Benign. Last evaluated: 2023-07-21. Review status: criteria provided, single submitter. Criteria: LabCorp Variant Classification Summary - May 2015. Collection method: clinical testing. Allele origin: germline.

GeneDx
Classification: Benign. Last evaluated: 2015-06-23. Review status: criteria provided, single submitter. Criteria: GeneDx Variant Classification (06012015). Collection method: clinical testing. Allele origin: germline. Affected: yes.
Comment: This variant is considered likely benign or benign based on one or more of the following criteria: it is a conservative change, it occurs at a poorly conserved position in the protein, it is predicted to be benign by multiple in silico algorithms, and/or has population frequency not consistent with disease.

Ambry Genetics
Classification: Likely benign for Familial thoracic aortic aneurysm and aortic dissection. Last evaluated: 2015-03-04. Review status: criteria provided, single submitter. Criteria: Ambry Variant Classification Scheme 2023. Collection method: clinical testing. Allele origin: germline.

Breakthrough Genomics
Classification: Likely benign. Review status: criteria provided, single submitter. Criteria: ACMG Guidelines, 2015. Collection method: not provided. Allele origin: germline. Inheritance: Autosomal dominant inheritance. Affected: yes.

PreventionGenetics, part of Exact Sciences
Classification: Benign. Review status: criteria provided, single submitter. Criteria: ACMG Guidelines, 2015. Collection method: clinical testing. Allele origin: germline.

Clinical Genetics DNA and cytogenetics Diagnostics Lab, Erasmus MC, Erasmus Medical Center
Classification: Likely benign. Review status: no assertion criteria provided. Collection method: clinical testing. Allele origin: germline. Affected: yes. Study: VKGL Data-share Consensus. Not counted in ClinVar's aggregate classification.

Laboratory of Diagnostic Genome Analysis, Leiden University Medical Center (LUMC)
Classification: Likely benign. Review status: no assertion criteria provided. Collection method: clinical testing. Allele origin: germline. Affected: yes. Study: VKGL Data-share Consensus. Not counted in ClinVar's aggregate classification.

NM_001999.4(FBN2):c.7593A>G (p.Lys2531=)

Gene: FBN2 (fibrillin 2; minus strand). Cytogenetic location: 5q23.3.
Variant type: single nucleotide variant.
Coding change: c.7593A>G on transcript NM_001999.4 (MANE Select); coding-DNA position 7593, A replaced by G.
Protein change: p.Lys2531=; no amino-acid change (lysine 2531 retained).
Molecular consequence: synonymous variant.
Genome position (GRCh38, 1-based): chr5:128,276,039, T>C on the plus strand (A>G on the coding strand, the complement: FBN2 is on the minus strand). VCF-style: chr5-128276039-T-C. GRCh37 (hg19) VCF-style: chr5-127611731-T-C.
Identifiers: ClinVar variation 213252 (VCV000213252.22), dbSNP rs28763923, ClinGen allele CA325189.